The following is an entry in ClinVar:

NM_000281.4(PCBD1):c.252_254delinsGTGCTCACCATGGGTG (p.Leu85fs)

Gene: PCBD1 (pterin-4 alpha-carbinolamine dehydratase 1; minus strand). Cytogenetic location: 10q22.1.
Variant type: Indel.
Coding change: c.252_254delinsGTGCTCACCATGGGTG on transcript NM_000281.4 (MANE Select); coding-DNA positions 252 to 254, CCT replaced by GTGCTCACCATGGGTG.
Protein change: p.Leu85fs; shifts the reading frame from leucine 85.
Molecular consequence: frameshift variant. On other transcripts: intron variant (1).
Genome position (GRCh38, 1-based): chr10:70,884,011-70,884,013, AGG replaced by CACCCATGGTGAGCAC on the plus strand (CCT replaced by GTGCTCACCATGGGTG on the coding strand, the reverse complement: PCBD1 is on the minus strand). VCF-style: chr10-70884011-AGG-CACCCATGGTGAGCAC. GRCh37 (hg19) VCF-style: chr10-72643768-AGG-CACCCATGGTGAGCAC.
Other names: c.105_107delinsGTGCTCACCATGGGTG, p.Leu36fs (NM_001289797.2); c.216+1139_216+1141delinsGTGCTCACCATGGGTG (NM_001323004.2); short protein forms L36fs, L85fs.
Identifiers: ClinVar variation 2640562 (VCV002640562.25), dbSNP rs2492830006, ClinGen allele CA2695199546.

ClinVar aggregate classification (germline): Likely pathogenic. Review status: criteria provided, multiple submitters, no conflicts (2 of 4 stars). 2 submissions from 2 submitters: Likely pathogenic (2). Last evaluated 2024-03-21.

Conditions:
Pterin-4 alpha-carbinolamine dehydratase 1 deficiency. Also called: CADH DEFICIENCY; HYPERPHENYLALANINEMIA WITH PRIMAPTERINURIA; HYPERPHENYLALANINEMIA, TETRAHYDROBIOPTERIN-DEFICIENT, DUE TO PTERIN-4-ALPHA-CARBINOLAMINE DEHYDRATASE DEFICIENCY; Hyperphenylalaninemia due to dehydratase deficiency. Identifiers: Orphanet 1578, Orphanet 238583, MedGen C1849700, MONDO:0009908, OMIM 264070.

Submissions (2):

Fulgent Genetics
Classification: Likely pathogenic for Pterin-4 alpha-carbinolamine dehydratase 1 deficiency. Last evaluated: 2024-03-21. Review status: criteria provided, single submitter. Criteria: ACMG Guidelines, 2015. Collection method: clinical testing. Allele origin: germline.

CeGaT Center for Human Genetics Tuebingen
Classification: Likely pathogenic. Last evaluated: 2022-09-01. Review status: criteria provided, single submitter. Criteria: CeGaT Center For Human Genetics Tuebingen Variant Classification Criteria Version 2. Collection method: clinical testing. Allele origin: germline. Affected: yes. Observed: 1 variant allele.
Comment: PCBD1: PVS1